The following is an entry in ClinVar:

ClinVar aggregate classification (germline): Uncertain significance (1 of 4 stars; one submission).

Conditions:
DOCK2 deficiency. Also called: Immunodeficiency 40. Identifiers: Orphanet 447737, MedGen C4225328, MONDO:0014637, OMIM 616433.

Allele frequency attached by ClinVar (database versions not stated): gnomAD 0.00004; ExAC 0.00005; TOPMed 0.00006; ESP Exome Variant Server 0.00015.
gnomAD v4.1: 19 of 1,614,012 alleles (0.0012%); highest among the groups gnomAD compares: African/African-American, 0.008%; no homozygotes.

Submission:

Labcorp Genetics (formerly Invitae), Labcorp
Classification: Uncertain significance for DOCK2 deficiency. Last evaluated: 2021-09-01. Review status: criteria provided, single submitter. Criteria: Invitae Variant Classification Sherloc (09022015). Collection method: clinical testing. Allele origin: germline.
Comment: This sequence change replaces valine with methionine at codon 1470 of the DOCK2 protein (p.Val1470Met). The valine residue is weakly conserved and there is a small physicochemical difference between valine and methionine. This variant is present in population databases (rs143595882, ExAC 0.03%). This variant has not been reported in the literature in individuals affected with DOCK2-related conditions. Algorithms developed to predict the effect of missense changes on protein structure and function output the following: SIFT: "Tolerated"; PolyPhen-2: "Benign"; Align-GVGD: "Class C0". The methionine amino acid residue is found in multiple mammalian species, which suggests that this missense change does not adversely affect protein function. In summary, the available evidence is currently insufficient to determine the role of this variant in disease. Therefore, it has been classified as a Variant of Uncertain Significance.

NM_004946.3(DOCK2):c.4408G>A (p.Val1470Met)

Gene: DOCK2 (dedicator of cytokinesis 2; plus strand). Cytogenetic location: 5q35.1.
Variant type: single nucleotide variant.
Coding change: c.4408G>A on transcript NM_004946.3 (MANE Select); coding-DNA position 4408, G replaced by A.
Protein change: p.Val1470Met; replaces valine 1470 with methionine.
Molecular consequence: missense variant. On other transcripts: non-coding transcript variant (1).
Genome position (GRCh38, 1-based): chr5:170,057,607, G>A. VCF-style: chr5-170057607-G-A. GRCh37 (hg19) VCF-style: chr5-169484611-G-A.
Other names: short protein forms V1470M.
Identifiers: ClinVar variation 841240 (VCV000841240.7), dbSNP rs143595882, ClinGen allele CA3554545.